The following is an entry in ClinVar:

ClinVar aggregate classification (germline): Pathogenic. Review status: criteria provided, multiple submitters, no conflicts (2 of 4 stars). 4 submissions from 4 submitters: Pathogenic (3). 1 of the submissions does not count toward it. Last evaluated 2024-05-20.

Conditions:
Hereditary cancer-predisposing syndrome. Also called: Neoplastic Syndromes, Hereditary; Tumor predisposition; Hereditary Cancer Syndrome; Hereditary neoplastic syndrome. Identifiers: Orphanet 140162, MedGen C0027672, MeSH D009386, MONDO:0015356.
Retinoblastoma (RB1). Also called: RETINOBLASTOMA, SOMATIC. Identifiers: Orphanet 790, MedGen C0035335, MeSH D012175, MONDO:0008380, OMIM 180200, HP:0009919. Disease mechanism: loss of function. Inheritance: Both sporadic and heritable forms are tested..

Submissions (4):

Genetic Diagnostic Laboratory, University of Pennsylvania School of Medicine
Classification: Pathogenic for Retinoblastoma. Last evaluated: 2024-05-20. Review status: criteria provided, single submitter. Criteria: ACMG Guidelines, 2015. Collection method: clinical testing. Allele origin: germline. Affected: yes. Observed: 3 variant alleles.
Comment: Case and Pedigree Information: BILATERAL CASES:3, UNILATERAL CASES:0, TOTAL CASES:3, PEDIGREES:3. ACMG Codes Applied:PM2, PS4SUP

Ambry Genetics
Classification: Pathogenic for Hereditary cancer-predisposing syndrome. Last evaluated: 2023-11-28. Review status: criteria provided, single submitter. Criteria: Ambry Variant Classification Scheme 2023. Collection method: clinical testing. Allele origin: germline.
Comment: The c.1439_1441delACA pathogenic mutation (also known as p.N480del), located in coding exon 16 of the RB1 gene, results from an in-frame ACA deletion at nucleotide positions 1439 to 1441. This results in the deletion of an asparagine residue at amino acid position 480. This alteration affects the A/B pocket, a protein structural domain important for pRB function (DiCiommo D et al. Semin Cancer Biol, 2000 Aug;10:255-69). Functional studies have shown this variant to have a deleterious impact on protein function (Otterson GA et al. Am J Hum Genet, 1999 Oct;65(4):1040-6; Park Y et al. Cell Cycle, 2008 Aug;7(15):2384-91). This alteration has been observed in multiple individuals with a personal and/or family history that is consistent with RB1-related disease (Lohmann D et al. Hum Genet, 1992 Apr;89:49-53; Rodr&iacute;guez-Mart&iacute;n C et al. J Hum Genet, 2020 Jan;65:165-174; Ambry internal data). Of note, this variant is also designated as &Delta;480, &Delta;Asn480, and delN480 in published literature. In addition, this alteration is predicted to be deleterious by in silico analysis (Choi Y et al. PLoS ONE. 2012; 7(10):e46688). This variant is considered to be rare based on population cohorts in the Genome Aggregation Database (gnomAD). Based on the supporting evidence, this alteration is interpreted as a disease-causing mutation.

Labcorp Genetics (formerly Invitae), Labcorp
Classification: Pathogenic for Retinoblastoma. Last evaluated: 2023-09-06. Review status: criteria provided, single submitter. Criteria: Invitae Variant Classification Sherloc (09022015). Collection method: clinical testing. Allele origin: germline.
Comment: For these reasons, this variant has been classified as Pathogenic. Experimental studies have shown that this variant affects RB1 function (PMID: 9342358, 10486322). Algorithms developed to predict the effect of variants on protein structure and function are not available or were not evaluated for this variant. ClinVar contains an entry for this variant (Variation ID: 13091). This variant is also known as 1574del3. This variant has been observed in individuals with unilateral or bilateral retinoblastoma (PMID: 1577465, 7927327, 12541220, 21520333; Invitae). It has also been observed to segregate with disease in related individuals. This variant is not present in population databases (gnomAD no frequency). This variant, c.1439_1441del, results in the deletion of 1 amino acid(s) of the RB1 protein (p.Asn480del), but otherwise preserves the integrity of the reading frame.

OMIM
Classification: Pathogenic for RETINOBLASTOMA. Last evaluated: 1999-10-01. Review status: no assertion criteria provided. Collection method: literature only. Allele origin: germline. Not counted in ClinVar's aggregate classification.

Literature cited by the submitters: PubMed 10486322 (cited by 3 submitters); PubMed 10966849 (cited by Ambry Genetics); PubMed 1577465 (cited by Ambry Genetics and Labcorp Genetics (formerly Invitae), Labcorp); PubMed 18677112 (cited by Ambry Genetics); PubMed 31772335 (cited by Ambry Genetics); PubMed 9342358 (cited by Labcorp Genetics (formerly Invitae), Labcorp); PubMed 7927327 (cited by Labcorp Genetics (formerly Invitae), Labcorp); PubMed 12541220 (cited by Labcorp Genetics (formerly Invitae), Labcorp); PubMed 21520333 (cited by Labcorp Genetics (formerly Invitae), Labcorp); PubMed 7881418 (cited by OMIM).

NM_000321.3(RB1):c.1436ACA[1] (p.Asn480del)

Gene: RB1 (RB transcriptional corepressor 1; plus strand). Cytogenetic location: 13q14.2.
Variant type: Microsatellite.
Coding change: c.1436ACA[1] on transcript NM_000321.3 (MANE Select); one copy of the 3-base unit ACA starting at c.1436; the reference has two copies in a row; one copy, 3 bases deleted; also written c.1439_1441del.
Protein change: p.Asn480del; deletes asparagine 480.
Molecular consequence: inframe deletion.
Genome position (GRCh38, 1-based): chr13:48,380,182-48,380,184, ACA deleted; deleting any 3 consecutive bases within chr13:48,380,179-48,380,184 gives the same sequence; the position shown is the placement nearest the transcript's 3' end. VCF-style (leftmost placement, unchanged base first): chr13-48380178-GACA-G. GRCh37 (hg19) VCF-style: chr13-48954314-GACA-G.
Other names: c.1439_1441del (NM_000321.3); c.1439_1441delACA (NM_000321.2); short protein forms N480del.
Identifiers: ClinVar variation 13091 (VCV000013091.17), dbSNP rs587776788, ClinGen allele CA026377.
Genomic context (GRCh38, chr13:48,380,178, plus strand): 5'-CTTTTTATAGAAGTAAGTATTTTATAATCTTTTTTTTTTTCCTTTAGCAAACTTCTGAAT[GACA>G]ACATTTTTCATATGTCTTTATTGGCGTGCGCTCTTGAGGTTGTAATGGCCACATATAGCA-3'